The following is an entry in ClinVar:

ClinVar aggregate classification (germline): Pathogenic (1 of 4 stars; one submission).

Submission:

GeneDx
Classification: Pathogenic. Last evaluated: 2017-03-13. Review status: criteria provided, single submitter. Criteria: GeneDx Variant Classification (06012015). Collection method: clinical testing. Allele origin: germline. Affected: yes.
Comment: The c.3575delA variant in the AFF2 gene has not been reported previously as a pathogenic variant nor as a benign variant, to our knowledge. The c.3575delA variant causes a frameshift starting with codon Asparagine 1192, changes this amino acid to a Methionine residue, and creates a premature Stop codon at position 13 of the new reading frame, denoted p.Asn1192MetfsX13. This variant is predicted to cause loss of normal protein function either through protein truncation or nonsense-mediated mRNA decay. The c.3575delA variant is not observed in large population cohorts (Lek et al., 2016; 1000 Genomes Consortium et al., 2015; Exome Variant Server). We interpret c.3575delA as a pathogenic variant.

NM_002025.4(AFF2):c.3575del (p.Asn1192fs)

Gene: AFF2 (AF4/FMR2 family member 2; plus strand). Cytogenetic location: Xq28.
Variant type: Deletion.
Coding change: c.3575del on transcript NM_002025.4 (MANE Select); coding-DNA position 3575, one base deleted (A; older notation c.3575delA).
Protein change: p.Asn1192fs; shifts the reading frame from asparagine 1192.
Molecular consequence: frameshift variant.
Genome position (GRCh38, 1-based): chrX:148,980,742, A deleted; the last of 4 consecutive A bases (chrX:148,980,739-148,980,742); deleting any one gives the same sequence. VCF-style (leftmost placement, unchanged base first): chrX-148980738-CA-C. GRCh37 (hg19) VCF-style: chrX-148062268-CA-C.
Other names: c.3470del, p.Asn1157fs (NM_001169122.2, NM_001169124.2); c.3545del, p.Asn1182fs (NM_001169123.2); c.3458del, p.Asn1153fs (NM_001169125.2); c.2498del, p.Asn833fs (NM_001170628.1); short protein forms N1182fs, N1192fs, N1157fs, N1153fs, N833fs.
Identifiers: ClinVar variation 424137 (VCV000424137.2), dbSNP rs1064796818, ClinGen allele CA16621217.
Genomic context (GRCh38, chrX:148,980,738, plus strand): 5'-GAATTAATAAAACACAAAATAGATGTCCTTATTTCCCTTTCTCTTCTCTCTCTCTTTTAG[CA>C]AAATGCTTCAAAAGTCGCACAGATACCCTCTCCATGGGTAAGCAATGGAAAGTAAGTATT-3'